The following is an entry in ClinVar:

ClinVar aggregate classification (germline): Uncertain significance (1 of 4 stars; one submission).

Submission:

Labcorp Genetics (formerly Invitae), Labcorp
Classification: Uncertain significance. Last evaluated: 2025-03-19. Review status: criteria provided, single submitter. Criteria: Invitae Variant Classification Sherloc (09022015). Collection method: clinical testing. Allele origin: germline.
Comment: This sequence change creates a premature translational stop signal (p.Ser327Profs*76) in the CAMK2B gene. It is expected to result in an absent or disrupted protein product. However, the current clinical and genetic evidence is not sufficient to establish whether loss-of-function variants in CAMK2B cause disease. This variant is not present in population databases (gnomAD no frequency). This variant has not been reported in the literature in individuals affected with CAMK2B-related conditions. ClinVar contains an entry for this variant (Variation ID: 2819442). In summary, the available evidence is currently insufficient to determine the role of this variant in disease. Therefore, it has been classified as a Variant of Uncertain Significance.

NM_001220.5(CAMK2B):c.979del (p.Ser327fs)

Gene: CAMK2B (calcium/calmodulin dependent protein kinase II beta; minus strand). Cytogenetic location: 7p13.
Variant type: Deletion.
Coding change: c.979del on transcript NM_001220.5 (MANE Select); coding-DNA position 979, one base deleted (T; older notation c.979delT).
Protein change: p.Ser327fs; shifts the reading frame from serine 327.
Molecular consequence: frameshift variant. On other transcripts: intron variant (5).
Genome position (GRCh38, 1-based): chr7:44,239,631, A deleted on the plus strand (T on the coding strand, the reverse complement: CAMK2B is on the minus strand). VCF-style (leftmost placement, unchanged base first): chr7-44239630-GA-G. GRCh37 (hg19) VCF-style: chr7-44279229-GA-G.
Other names: c.979del, p.Ser327fs (NM_001293170.2, NM_172078.3, NM_172082.3); c.946+1076del (NM_172084.3, NM_172080.3, NM_172083.3 and 2 more transcripts); short protein forms S327fs.
Identifiers: ClinVar variation 2819442 (VCV002819442.3), dbSNP rs2485932141, ClinGen allele CA2739266416.